The following is an entry in ClinVar:

ClinVar aggregate classification (germline): Pathogenic (1 of 4 stars; one submission).

Conditions:
Hereditary cancer-predisposing syndrome. Also called: Tumor predisposition; Hereditary Cancer Syndrome; Neoplastic Syndromes, Hereditary; Hereditary neoplastic syndrome. Identifiers: Orphanet 140162, MedGen C0027672, MeSH D009386, MONDO:0015356.

Submission:

Ambry Genetics
Classification: Pathogenic for Hereditary cancer-predisposing syndrome. Last evaluated: 2022-03-08. Review status: criteria provided, single submitter. Criteria: Ambry Variant Classification Scheme 2023. Collection method: clinical testing. Allele origin: germline.
Comment: The p.E957* pathogenic mutation (also known as c.2869G>T), located in coding exon 18 of the ATM gene, results from a G to T substitution at nucleotide position 2869. This changes the amino acid from a glutamic acid to a stop codon within coding exon 18. This alteration is expected to result in loss of function by premature protein truncation or nonsense-mediated mRNA decay. As such, this alteration is interpreted as a disease-causing mutation.

NM_000051.4(ATM):c.2869G>T (p.Glu957Ter)

Gene: ATM (ATM serine/threonine kinase; plus strand). Cytogenetic location: 11q22.3.
Variant type: single nucleotide variant.
Coding change: c.2869G>T on transcript NM_000051.4 (MANE Select); coding-DNA position 2869, G replaced by T.
Protein change: p.Glu957Ter; replaces glutamic acid 957 with a stop codon.
Molecular consequence: nonsense.
Genome position (GRCh38, 1-based): chr11:108,271,094, G>T. VCF-style: chr11-108271094-G-T. GRCh37 (hg19) VCF-style: chr11-108141821-G-T.
Other names: c.2869G>T, p.Glu957Ter (NM_001351834.2); short protein forms E957*.
Identifiers: ClinVar variation 1797026 (VCV001797026.2), dbSNP rs2135547909, ClinGen allele CA382546793.